The following is an entry in ClinVar:

ClinVar aggregate classification (germline): Uncertain significance (1 of 4 stars; one submission).

Submission:

Ambry Genetics
Classification: Uncertain significance. Last evaluated: 2022-03-06. Review status: criteria provided, single submitter. Criteria: Ambry Variant Classification Scheme 2023. Collection method: clinical testing. Allele origin: germline.
Comment: The p.L1109H variant (also known as c.3326T>A), located in coding exon 29 of the KIF1B gene, results from a T to A substitution at nucleotide position 3326. The leucine at codon 1109 is replaced by histidine, an amino acid with similar properties. This amino acid position is conserved. In addition, this alteration is predicted to be deleterious by in silico analysis. Since supporting evidence is limited at this time, the clinical significance of this alteration remains unclear.

NM_001365951.3(KIF1B):c.3464T>A (p.Leu1155His)

Gene: KIF1B (kinesin family member 1B; plus strand). Cytogenetic location: 1p36.22.
Variant type: single nucleotide variant.
Coding change: c.3464T>A on transcript NM_001365951.3 (MANE Select); coding-DNA position 3464, T replaced by A.
Protein change: p.Leu1155His; replaces leucine 1155 with histidine.
Molecular consequence: missense variant.
Genome position (GRCh38, 1-based): chr1:10,339,810, T>A. VCF-style: chr1-10339810-T-A. GRCh37 (hg19) VCF-style: chr1-10399868-T-A.
Other names: c.3464T>A, p.Leu1155His (NM_001365952.1); c.3326T>A, p.Leu1109His (NM_015074.3); short protein forms L1109H, L1155H.
Identifiers: ClinVar variation 1730255 (VCV001730255.2), dbSNP rs2521737949, ClinGen allele CA338341045.